The following is an entry in ClinVar:

ClinVar aggregate classification (germline): Likely pathogenic (1 of 4 stars; one submission).

Conditions:
Oculocerebrofacial syndrome, Kaufman type. Also called: Blepharophimosis-ptosis-intellectual disability syndrome. Identifiers: Orphanet 2707, MedGen C1855663, MONDO:0009485, OMIM 244450.

Submission:

Neuberg Centre For Genomic Medicine, NCGM
Classification: Likely pathogenic for Oculocerebrofacial syndrome, Kaufman type. Review status: criteria provided, single submitter. Criteria: ACMG Guidelines, 2015. Collection method: clinical testing. Allele origin: germline. Inheritance: Autosomal recessive inheritance. Affected: yes.
Comment: The observed frameshift c.2545delp.Tyr849ThrfsTer14 variant in UBE3B gene has not been reported previously as a pathogenic variant nor as a benign variant, to our knowledge. The p.Tyr849ThrfsTer14 variant is absent in gnomAD Exomes database. This variant has not been submitted to the ClinVar database. This variant causes a frameshift starting with codon Tyrosine 849, changes this amino acid to Threonine residue, and creates a premature Stop codon at position 14 of the new reading frame, denoted p.Tyr849ThrfsTer14. This variant is predicted to cause loss of normal protein function through protein truncation. Loss of function variants have been previously reported to be disease causing. Additional Functional studies are required to prove pathogenicity of the variant. For these reasons, this variant has been classified as Likely Pathogenic.

NM_130466.4(UBE3B):c.2545del (p.Tyr849fs)

Gene: UBE3B (ubiquitin protein ligase E3B; plus strand). Cytogenetic location: 12q24.11.
Variant type: Deletion.
Coding change: c.2545del on transcript NM_130466.4 (MANE Select); coding-DNA position 2545, one base deleted (T; older notation c.2545delT).
Protein change: p.Tyr849fs; shifts the reading frame from tyrosine 849.
Molecular consequence: frameshift variant.
Genome position (GRCh38, 1-based): chr12:109,524,480, T deleted; the last of 2 consecutive T bases (chr12:109,524,479-109,524,480); deleting either gives the same sequence. VCF-style (leftmost placement, unchanged base first): chr12-109524478-CT-C. GRCh37 (hg19) VCF-style: chr12-109962283-CT-C.
Other names: c.2545del, p.Tyr849fs (NM_183415.3); short protein forms Y849fs.
Identifiers: ClinVar variation 2585015 (VCV002585015.2), dbSNP rs2548561448, ClinGen allele CA2582341798.